The following is an entry in ClinVar:

ClinVar aggregate classification (germline): Uncertain significance (1 of 4 stars; one submission).

Conditions:
Cardiovascular phenotype. Identifiers: MedGen CN230736.

gnomAD v4.1: 1 of 1,601,734 alleles (0.000062%); highest among the groups gnomAD compares: Admixed American, 0.0017%; no homozygotes.

Submission:

Ambry Genetics
Classification: Uncertain significance for Cardiovascular phenotype. Last evaluated: 2026-03-15. Review status: criteria provided, single submitter. Criteria: Ambry Variant Classification Scheme 2023. Collection method: clinical testing. Allele origin: germline.
Comment: The p.Q318E variant (also known as c.952C>G), located in coding exon 11 of the TECRL gene, results from a C to G substitution at nucleotide position 952. The glutamine at codon 318 is replaced by glutamic acid, an amino acid with highly similar properties. This amino acid position is conserved. In addition, this alteration is predicted to be tolerated by in silico analysis. Based on the available evidence, the clinical significance of this variant remains unclear.

NM_001010874.5(TECRL):c.952C>G (p.Gln318Glu)

Gene: TECRL (trans-2,3-enoyl-CoA reductase like; minus strand). Cytogenetic location: 4q13.1.
Variant type: single nucleotide variant.
Coding change: c.952C>G on transcript NM_001010874.5 (MANE Select); coding-DNA position 952, C replaced by G.
Protein change: p.Gln318Glu; replaces glutamine 318 with glutamic acid.
Molecular consequence: missense variant.
Genome position (GRCh38, 1-based): chr4:64,281,053, G>C on the plus strand (C>G on the coding strand, the complement: TECRL is on the minus strand). VCF-style: chr4-64281053-G-C. GRCh37 (hg19) VCF-style: chr4-65146771-G-C.
Other names: c.952C>G, p.Gln318Glu (NM_001363796.1); short protein forms Q318E.
Identifiers: ClinVar variation 4865410 (VCV004865410.1).